The following is an entry in ClinVar:

NM_015450.3(POT1):c.195C>A (p.Asn65Lys)

Gene: POT1 (protection of telomeres 1; minus strand). Cytogenetic location: 7q31.33.
Variant type: single nucleotide variant.
Coding change: c.195C>A on transcript NM_015450.3 (MANE Select); coding-DNA position 195, C replaced by A.
Protein change: p.Asn65Lys; replaces asparagine 65 with lysine.
Molecular consequence: missense variant. On other transcripts: non-coding transcript variant (3), intron variant (1).
Genome position (GRCh38, 1-based): chr7:124,870,971, G>T on the plus strand (C>A on the coding strand, the complement: POT1 is on the minus strand). VCF-style: chr7-124870971-G-T. GRCh37 (hg19) VCF-style: chr7-124511025-G-T.
Other names: c.-138-7331C>A (NM_001042594.2); short protein forms N65K.
Identifiers: ClinVar variation 820418 (VCV000820418.4), dbSNP rs1584777781, ClinGen allele CA369061487.

ClinVar aggregate classification (germline): Uncertain significance (1 of 4 stars; one submission).

Conditions:
Hereditary cancer-predisposing syndrome. Also called: Neoplastic Syndromes, Hereditary; Tumor predisposition; Hereditary Cancer Syndrome; Hereditary neoplastic syndrome. Identifiers: Orphanet 140162, MedGen C0027672, MeSH D009386, MONDO:0015356.

Submission:

Ambry Genetics
Classification: Uncertain significance for Hereditary cancer-predisposing syndrome. Last evaluated: 2019-03-27. Review status: criteria provided, single submitter. Criteria: Ambry Variant Classification Scheme 2023. Collection method: clinical testing. Allele origin: germline.
Comment: The p.N65K variant (also known as c.195C>A), located in coding exon 3 of the POT1 gene, results from a C to A substitution at nucleotide position 195. The asparagine at codon 65 is replaced by lysine, an amino acid with similar properties. This amino acid position is well conserved in available vertebrate species. In addition, this alteration is predicted to be tolerated by in silico analysis. Since supporting evidence is limited at this time, the clinical significance of this alteration remains unclear.